The following is an entry in ClinVar:

NM_183381.3(RNF13):c.854_855del (p.Val285fs)

Gene: RNF13 (ring finger protein 13; plus strand). Cytogenetic location: 3q25.1.
Variant type: Deletion.
Coding change: c.854_855del on transcript NM_183381.3 (MANE Select); coding-DNA positions 854 to 855, 2 bases deleted (TT; older notation c.854_855delTT).
Protein change: p.Val285fs; shifts the reading frame from valine 285.
Molecular consequence: frameshift variant. On other transcripts: non-coding transcript variant (1).
Genome position (GRCh38, 1-based): chr3:149,960,812-149,960,813, TT deleted. VCF-style (leftmost placement, unchanged base first): chr3-149960811-GTT-G. GRCh37 (hg19) VCF-style: chr3-149678598-GTT-G.
Other names: c.854_855del, p.Val285fs (NM_001378285.1, NM_001378286.1, NM_007282.4); c.497_498del, p.Val166fs (NM_001378287.1, NM_001378288.1, NM_001378289.1 and 2 more transcripts); c.461_462del, p.Val154fs (NM_001378291.1); short protein forms V166fs, V285fs, V154fs.
Identifiers: ClinVar variation 2815265 (VCV002815265.3), dbSNP rs1211620509, ClinGen allele CA547366537.

ClinVar aggregate classification (germline): Uncertain significance (1 of 4 stars; one submission).

Submission:

Labcorp Genetics (formerly Invitae), Labcorp
Classification: Uncertain significance. Last evaluated: 2022-11-19. Review status: criteria provided, single submitter. Criteria: Invitae Variant Classification Sherloc (09022015). Collection method: clinical testing. Allele origin: germline.
Comment: In summary, the available evidence is currently insufficient to determine the role of this variant in disease. Therefore, it has been classified as a Variant of Uncertain Significance. Experimental studies and prediction algorithms are not available or were not evaluated, and the functional significance of this variant is currently unknown. This variant has not been reported in the literature in individuals affected with RNF13-related conditions. This variant is present in population databases (no rsID available, gnomAD 0.0009%). This sequence change creates a premature translational stop signal (p.Val285Glyfs*10) in the RNF13 gene. While this is not anticipated to result in nonsense mediated decay, it is expected to disrupt the last 97 amino acid(s) of the RNF13 protein.